The following is an entry in ClinVar:

ClinVar aggregate classification (germline): Uncertain significance. Review status: criteria provided, multiple submitters, no conflicts (2 of 4 stars). 2 submissions from 2 submitters: Uncertain significance (2). Last evaluated 2024-03-06.

Conditions:
Malignant hyperthermia, susceptibility to, 1 (MHS1). Also called: Malignant hyperthermia suceptibility 1; Anesthesia related hyperthermia; Malignant hyperpyrexia; Fulminating hyperpyrexia; Pharmacogenic myopathy; RYR1-Related Malignant Hyperthermia Susceptibility. Identifiers: Orphanet 423, MedGen C2930980, MONDO:0007783, OMIM 145600.

Allele frequency attached by ClinVar (database versions not stated): gnomAD exomes below 0.00001.
gnomAD v4.1: 2 of 1,613,992 alleles (0.00012%); highest among the groups gnomAD compares: Non-Finnish European, 0.000085%; no homozygotes.

Submissions (2):

Color Diagnostics, LLC DBA Color Health
Classification: Uncertain significance for Malignant hyperthermia, susceptibility to, 1. Last evaluated: 2024-03-06. Review status: criteria provided, single submitter. Criteria: ACMG Guidelines, 2015. Collection method: clinical testing. Allele origin: germline.
Comment: This missense variant replaces histidine with arginine at codon 2520 of the RYR1 protein. Computational prediction is inconclusive regarding the impact of this variant on protein structure and function (internally defined REVEL score threshold 0.5 < inconclusive < 0.7, PMID: 27666373). To our knowledge, functional studies have not been reported for this variant. This variant has not been reported in individuals affected with RYR1-related disorders in the literature. This variant has not been identified in the general population by the Genome Aggregation Database (gnomAD). The available evidence is insufficient to determine the role of this variant in disease conclusively. Therefore, this variant is classified as a Variant of Uncertain Significance.

All of Us Research Program, National Institutes of Health
Classification: Uncertain significance for Malignant hyperthermia, susceptibility to, 1. Last evaluated: 2023-06-08. Review status: criteria provided, single submitter. Criteria: ACMG Guidelines, 2015. Collection method: clinical testing. Allele origin: germline. Inheritance: Autosomal dominant inheritance. Observed: 1 variant allele, 1 heterozygote.
Comment: This missense variant replaces histidine with arginine at codon 2520 of the RYR1 protein. Computational prediction is inconclusive regarding the impact of this variant on protein structure and function (internally defined REVEL score threshold 0.5 < inconclusive < 0.7, PMID: 27666373). To our knowledge, functional studies have not been reported for this variant. This variant has not been reported in individuals affected with RYR1-related disorders in the literature. This variant has not been identified in the general population by the Genome Aggregation Database (gnomAD). The available evidence is insufficient to determine the role of this variant in disease conclusively. Therefore, this variant is classified as a Variant of Uncertain Significance.

This study involves interpretation of variants in research participants for the purpose of population health screening. Participant phenotype was not available at the time of variant classification. Additional details can be found in publication PMID: 35346344, PMCID: PMC8962531

NM_000540.3(RYR1):c.7559A>G (p.His2520Arg)

Gene: RYR1 (ryanodine receptor 1; plus strand). Cytogenetic location: 19q13.2.
Variant type: single nucleotide variant.
Coding change: c.7559A>G on transcript NM_000540.3 (MANE Select); coding-DNA position 7559, A replaced by G.
Protein change: p.His2520Arg; replaces histidine 2520 with arginine.
Molecular consequence: missense variant.
Genome position (GRCh38, 1-based): chr19:38,500,935, A>G. VCF-style: chr19-38500935-A-G. GRCh37 (hg19) VCF-style: chr19-38991575-A-G.
Other names: c.7559A>G, p.His2520Arg (NM_001042723.2); short protein forms H2520R.
Identifiers: ClinVar variation 2774221 (VCV002774221.3), dbSNP rs2514322668, ClinGen allele CA405670467.